The following is an entry in ClinVar:

ClinVar aggregate classification (germline): Likely benign. Review status: criteria provided, multiple submitters, no conflicts (2 of 4 stars). 3 submissions from 3 submitters: Likely benign (2). 1 of the submissions does not count toward it. Last evaluated 2018-08-18.

Conditions:
PREX1-related disorder. Also called: PREX1-related condition.

Allele frequency attached by ClinVar (database versions not stated): ExAC 0.00080; gnomAD 0.00133 and 0.00141; ESP Exome Variant Server 0.00154; TOPMed 0.00154; 1000 Genomes Project 0.00200; 1000 Genomes Project 30x 0.00219.
gnomAD v4.1: 1,338 of 1,613,878 alleles (0.083%); highest among the groups gnomAD compares: Middle Eastern, 0.97%; 3 homozygotes.

Submissions (3):

Labcorp Genetics (formerly Invitae), Labcorp
Classification: Likely benign. Last evaluated: 2018-08-18. Review status: criteria provided, single submitter. Criteria: Invitae Variant Classification Sherloc (09022015). Collection method: clinical testing. Allele origin: germline.

Breakthrough Genomics
Classification: Likely benign. Review status: criteria provided, single submitter. Criteria: ACMG Guidelines, 2015. Collection method: not provided. Allele origin: germline. Inheritance: Unknown mechanism. Affected: yes.

PreventionGenetics, part of Exact Sciences
Classification: Likely benign for PREX1-related condition. Last evaluated: 2022-11-21. Review status: no assertion criteria provided. Collection method: clinical testing. Allele origin: germline. Not counted in ClinVar's aggregate classification.
Comment: This variant is classified as likely benign based on ACMG/AMP sequence variant interpretation guidelines (Richards et al. 2015 PMID: 25741868, with internal and published modifications).

NM_020820.4(PREX1):c.2282A>G (p.Asn761Ser)

Gene: PREX1 (phosphatidylinositol-3,4,5-trisphosphate dependent Rac exchange factor 1; minus strand). Cytogenetic location: 20q13.13.
Variant type: single nucleotide variant.
Coding change: c.2282A>G on transcript NM_020820.4 (MANE Select); coding-DNA position 2282, A replaced by G.
Protein change: p.Asn761Ser; replaces asparagine 761 with serine.
Molecular consequence: missense variant.
Genome position (GRCh38, 1-based): chr20:48,653,425, T>C on the plus strand (A>G on the coding strand, the complement: PREX1 is on the minus strand). VCF-style: chr20-48653425-T-C. GRCh37 (hg19) VCF-style: chr20-47269963-T-C.
Other names: short protein forms N761S.
Identifiers: ClinVar variation 788665 (VCV000788665.6), dbSNP rs146210678, ClinGen allele CA9897298.
Genomic context (GRCh38, chr20:48,653,425, plus strand): 5'-GCCTCTTCGCGCCGACTCCGGAATGCCTGGAAGTGCTCCAGGACCTCAGGGGCACCATCG[T>C]TCATCACGTTGCTGCCATTGACCTTCAGAATGCACTGACCAGCACAGAGCCCTGCAGCCA-3'
Protein context (NP_065871.3, residues 751-771): ILKVNGSNVM[Asn761Ser]DGAPEVLEHF